The following is an entry in ClinVar:

NM_024081.6(PRRG4):c.451T>A (p.Ser151Thr)

Gene: PRRG4 (proline rich and Gla domain 4; plus strand). Cytogenetic location: 11p13.
Variant type: single nucleotide variant.
Coding change: c.451T>A on transcript NM_024081.6 (MANE Select); coding-DNA position 451, T replaced by A.
Protein change: p.Ser151Thr; replaces serine 151 with threonine.
Molecular consequence: missense variant.
Genome position (GRCh38, 1-based): chr11:32,853,297, T>A. VCF-style: chr11-32853297-T-A. GRCh37 (hg19) VCF-style: chr11-32874843-T-A.
Other names: short protein forms S151T.
Identifiers: ClinVar variation 3040286 (VCV003040286.2), dbSNP rs143123252, ClinGen allele CA5935917.

ClinVar aggregate classification (germline): Likely benign (0 of 4 stars; one submission).

Conditions:
PRRG4-related disorder. Also called: PRRG4-related condition.

Allele frequency attached by ClinVar (database versions not stated): gnomAD exomes 0.00045; ExAC 0.00118; 1000 Genomes Project 30x 0.00219; 1000 Genomes Project 0.00260; ESP Exome Variant Server 0.00261; gnomAD 0.00332; TOPMed 0.00372.

Submission:

PreventionGenetics, part of Exact Sciences
Classification: Likely benign for PRRG4-related condition. Last evaluated: 2021-02-04. Review status: no assertion criteria provided. Collection method: clinical testing. Allele origin: germline.
Comment: This variant is classified as likely benign based on ACMG/AMP sequence variant interpretation guidelines (Richards et al. 2015 PMID: 25741868, with internal and published modifications).